The following is an entry in ClinVar:

NM_015909.4(NBAS):c.6730C>A (p.Leu2244Met)

Gene: NBAS (NBAS subunit of NRZ tethering complex; minus strand). Cytogenetic location: 2p24.3.
Variant type: single nucleotide variant.
Coding change: c.6730C>A on transcript NM_015909.4 (MANE Select); coding-DNA position 6730, C replaced by A.
Protein change: p.Leu2244Met; replaces leucine 2244 with methionine.
Molecular consequence: missense variant. On other transcripts: non-coding transcript variant (1).
Genome position (GRCh38, 1-based): chr2:15,179,098, G>T on the plus strand (C>A on the coding strand, the complement: NBAS is on the minus strand). VCF-style: chr2-15179098-G-T. GRCh37 (hg19) VCF-style: chr2-15319222-G-T.
Other names: short protein forms L2244M.
Identifiers: ClinVar variation 1378771 (VCV001378771.6), dbSNP rs1021126770, ClinGen allele CA43163998.

ClinVar aggregate classification (germline): Uncertain significance (1 of 4 stars; one submission).

Submission:

Labcorp Genetics (formerly Invitae), Labcorp
Classification: Uncertain significance. Last evaluated: 2021-12-15. Review status: criteria provided, single submitter. Criteria: Invitae Variant Classification Sherloc (09022015). Collection method: clinical testing. Allele origin: germline.
Comment: Algorithms developed to predict the effect of missense changes on protein structure and function are either unavailable or do not agree on the potential impact of this missense change (SIFT: "Deleterious"; PolyPhen-2: "Benign"; Align-GVGD: "Class C0"). In summary, the available evidence is currently insufficient to determine the role of this variant in disease. Therefore, it has been classified as a Variant of Uncertain Significance. This sequence change replaces leucine, which is neutral and non-polar, with methionine, which is neutral and non-polar, at codon 2244 of the NBAS protein (p.Leu2244Met). This variant is not present in population databases (gnomAD no frequency). This variant has not been reported in the literature in individuals affected with NBAS-related conditions.